The following is an entry in ClinVar:

NM_000222.3(KIT):c.1868A>G (p.Lys623Arg)

Gene: KIT (KIT proto-oncogene, receptor tyrosine kinase; plus strand). Cytogenetic location: 4q12.
Variant type: single nucleotide variant.
Coding change: c.1868A>G on transcript NM_000222.3 (MANE Select); coding-DNA position 1868, A replaced by G.
Protein change: p.Lys623Arg; replaces lysine 623 with arginine.
Molecular consequence: missense variant.
Genome position (GRCh38, 1-based): chr4:54,727,916, A>G. VCF-style: chr4-54727916-A-G. GRCh37 (hg19) VCF-style: chr4-55594082-A-G.
Other names: c.1856A>G, p.Lys619Arg (NM_001093772.2, NM_001385286.1); c.1871A>G, p.Lys624Arg (NM_001385284.1, NM_001385290.1); c.1868A>G, p.Lys623Arg (NM_001385285.1); c.1859A>G, p.Lys620Arg (NM_001385288.1, NM_001385292.1); short protein forms K620R, K623R, K619R, K624R.
Identifiers: ClinVar variation 4043751 (VCV004043751.1).

ClinVar aggregate classification (germline): Uncertain significance (1 of 4 stars; one submission).

Conditions:
Hereditary cancer-predisposing syndrome. Also called: Neoplastic Syndromes, Hereditary; Tumor predisposition; Hereditary neoplastic syndrome; Hereditary Cancer Syndrome. Identifiers: Orphanet 140162, MedGen C0027672, MeSH D009386, MONDO:0015356.

Submission:

Ambry Genetics
Classification: Uncertain significance for Hereditary cancer-predisposing syndrome. Last evaluated: 2025-04-25. Review status: criteria provided, single submitter. Criteria: Ambry Variant Classification Scheme 2023. Collection method: clinical testing. Allele origin: germline.
Comment: The p.K623R variant (also known as c.1868A>G), located in coding exon 12 of the KIT gene, results from an A to G substitution at nucleotide position 1868. The lysine at codon 623 is replaced by arginine, an amino acid with highly similar properties. This amino acid position is highly conserved in available vertebrate species. In addition, this alteration is predicted to be deleterious by in silico analysis. Based on the available evidence, the clinical significance of this variant remains unclear.